The following is an entry in ClinVar:

ClinVar aggregate classification (germline): Pathogenic. Review status: criteria provided, multiple submitters, no conflicts (2 of 4 stars). 2 submissions from 2 submitters: Pathogenic (2). Last evaluated 2025-07-29.

Conditions:
Hereditary cancer-predisposing syndrome. Also called: Neoplastic Syndromes, Hereditary; Tumor predisposition; Hereditary neoplastic syndrome; Hereditary Cancer Syndrome. Identifiers: Orphanet 140162, MedGen C0027672, MeSH D009386, MONDO:0015356.
Hereditary breast ovarian cancer syndrome. Also called: Hereditary breast and ovarian cancer syndrome; Hereditary breast and ovarian cancer; Hereditary breast and ovarian cancer syndrome (HBOC); Breast and ovarian cancer; Hereditary breast and/or ovarian cancer syndrome; BRCA1- and BRCA2-Associated Hereditary Breast and Ovarian Cancer. Identifiers: Orphanet 145, MedGen C0677776, MeSH D061325, MONDO:0003582. Disease mechanism: loss of function.

Submissions (2):

Ambry Genetics
Classification: Pathogenic for Hereditary cancer-predisposing syndrome. Last evaluated: 2025-07-29. Review status: criteria provided, single submitter. Criteria: Ambry Variant Classification Scheme 2023. Collection method: clinical testing. Allele origin: germline.
Comment: The c.8055_8056delAC pathogenic mutation, located in coding exon 17 of the BRCA2 gene, results from a deletion of two nucleotides at nucleotide positions 8055 to 8056, causing a translational frameshift with a predicted alternate stop codon (p.L2686Cfs*6). This variant is considered to be rare based on population cohorts in the Genome Aggregation Database (gnomAD). This alteration is expected to result in loss of function by premature protein truncation or nonsense-mediated mRNA decay. As such, this alteration is interpreted as a disease-causing mutation.

Labcorp Genetics (formerly Invitae), Labcorp
Classification: Pathogenic for Hereditary breast ovarian cancer syndrome. Last evaluated: 2024-11-04. Review status: criteria provided, single submitter. Criteria: Invitae Variant Classification Sherloc (09022015). Collection method: clinical testing. Allele origin: germline.
Comment: This sequence change creates a premature translational stop signal (p.Leu2686Cysfs*6) in the BRCA2 gene. It is expected to result in an absent or disrupted protein product. Loss-of-function variants in BRCA2 are known to be pathogenic (PMID: 20104584). This variant is not present in population databases (gnomAD no frequency). This variant has not been reported in the literature in individuals affected with BRCA2-related conditions. For these reasons, this variant has been classified as Pathogenic.

Literature cited by the submitters: PubMed 20104584 (cited by Labcorp Genetics (formerly Invitae), Labcorp).

NM_000059.4(BRCA2):c.8055_8056del (p.Leu2686fs)

Gene: BRCA2 (BRCA2 DNA repair associated; plus strand). Cytogenetic location: 13q13.1.
Variant type: Microsatellite.
Coding change: c.8055_8056del on transcript NM_000059.4 (MANE Select); coding-DNA positions 8055 to 8056, 2 bases deleted (AC; older notation c.8055_8056delAC).
Protein change: p.Leu2686fs; shifts the reading frame from leucine 2686.
Molecular consequence: frameshift variant.
Genome position (GRCh38, 1-based): chr13:32,363,257-32,363,258, AC deleted; deleting any 2 consecutive bases within chr13:32,363,255-32,363,258 gives the same sequence; the c. name uses the placement nearest the transcript's 3' end. VCF-style (leftmost placement, unchanged base first): chr13-32363254-AAC-A. GRCh37 (hg19) VCF-style: chr13-32937391-AAC-A.
Other names: short protein forms L2686fs.
Identifiers: ClinVar variation 827425 (VCV000827425.7), dbSNP rs1593924968, ClinGen allele CA915946888.